The following is an entry in ClinVar:

NM_001281775.3(ZMYND8):c.2060C>T (p.Ala687Val)

Gene: ZMYND8 (zinc finger MYND-type containing 8; minus strand). Cytogenetic location: 20q13.12.
Variant type: single nucleotide variant.
Coding change: c.2060C>T on transcript NM_001281775.3 (MANE Select); coding-DNA position 2060, C replaced by T.
Protein change: p.Ala687Val; replaces alanine 687 with valine.
Molecular consequence: missense variant.
Genome position (GRCh38, 1-based): chr20:47,246,232, G>A on the plus strand (C>T on the coding strand, the complement: ZMYND8 is on the minus strand). VCF-style: chr20-47246232-G-A. GRCh37 (hg19) VCF-style: chr20-45874976-G-A.
Other names: c.1985C>T, p.Ala662Val (NM_001281771.3, NM_001281777.3, NM_001281778.3 and 2 more transcripts); c.2000C>T, p.Ala667Val (NM_001281772.3, NM_001281773.3, NM_001281774.3 and 1 more transcripts); c.2060C>T, p.Ala687Val (NM_001281776.3, NM_001281783.3, NM_012408.6 and 1 more transcripts); c.1256C>T, p.Ala419Val (NM_001281779.3, NM_001281780.3); c.1844C>T, p.Ala615Val (NM_001281781.3, NM_001281784.3); c.2081C>T, p.Ala694Val (NM_001363714.1); c.2060C>T (NM_183047.1); short protein forms A419V, A615V, A662V, A667V, A687V, A694V.
Identifiers: ClinVar variation 3363946 (VCV003363946.2).

ClinVar aggregate classification (germline): Uncertain significance. Review status: criteria provided, multiple submitters, no conflicts (2 of 4 stars). 2 submissions from 2 submitters: Uncertain significance (2). Last evaluated 2025-09-26.

Submissions (2):

Ambry Genetics
Classification: Uncertain significance. Last evaluated: 2025-09-26. Review status: criteria provided, single submitter. Criteria: Ambry Variant Classification Scheme 2023. Collection method: clinical testing. Allele origin: germline.

GeneDx
Classification: Uncertain significance. Last evaluated: 2023-11-10. Review status: criteria provided, single submitter. Criteria: GeneDx Variant Classification Process June 2021. Collection method: clinical testing. Allele origin: germline. Affected: yes.
Comment: Not observed at significant frequency in large population cohorts (gnomAD); In silico analysis supports that this missense variant does not alter protein structure/function; Has not been previously published as pathogenic or benign to our knowledge